The following is an entry in ClinVar:

NM_004064.5(CDKN1B):c.206C>T (p.Pro69Leu)

Gene: CDKN1B (cyclin dependent kinase inhibitor 1B; plus strand). Cytogenetic location: 12p13.1.
Variant type: single nucleotide variant.
Coding change: c.206C>T on transcript NM_004064.5 (MANE Select); coding-DNA position 206, C replaced by T.
Protein change: p.Pro69Leu; replaces proline 69 with leucine.
Molecular consequence: missense variant.
Genome position (GRCh38, 1-based): chr12:12,718,045, C>T. VCF-style: chr12-12718045-C-T. GRCh37 (hg19) VCF-style: chr12-12870979-C-T.
Other names: short protein forms P69L.
Identifiers: ClinVar variation 183393 (VCV000183393.23), dbSNP rs777354267, ClinGen allele CA186090.

ClinVar aggregate classification (germline): Conflicting classifications of pathogenicity. Review status: criteria provided, conflicting classifications (1 of 4 stars). 6 submissions from 6 submitters: Likely pathogenic (1); Uncertain significance (4). 1 of the submissions does not count toward it. Last evaluated 2026-01-11.

Conditions:
Hereditary cancer-predisposing syndrome. Also called: Hereditary neoplastic syndrome; Tumor predisposition; Neoplastic Syndromes, Hereditary; Hereditary Cancer Syndrome. Identifiers: Orphanet 140162, MedGen C0027672, MeSH D009386, MONDO:0015356.
Multiple endocrine neoplasia type 4. Also called: MULTIPLE ENDOCRINE NEOPLASIA, TYPE IV. Identifiers: Orphanet 276152, MedGen C1970712, MONDO:0012552, OMIM 610755.

Allele frequency attached by ClinVar (database versions not stated): gnomAD exomes below 0.00001 and 0.00002; ExAC 0.00001; TOPMed 0.00001; gnomAD 0.00002.
gnomAD v4.1: 28 of 1,614,118 alleles (0.0017%); highest among the groups gnomAD compares: Non-Finnish European, 0.0021%; no homozygotes.

Submissions (6):

Labcorp Genetics (formerly Invitae), Labcorp
Classification: Uncertain significance for Multiple endocrine neoplasia type 4. Last evaluated: 2026-01-11. Review status: criteria provided, single submitter. Criteria: Invitae Variant Classification Sherloc (09022015). Collection method: clinical testing. Allele origin: germline.
Comment: This sequence change replaces proline, which is neutral and non-polar, with leucine, which is neutral and non-polar, at codon 69 of the CDKN1B protein (p.Pro69Leu). This variant is present in population databases (rs777354267, gnomAD 0.0009%). This missense change has been observed in individual(s) with multiple endocrine tumors, sarcoma, pituitary adenoma and hyperparathyroidism (PMID: 20824794, 29625052, 32386678). ClinVar contains an entry for this variant (Variation ID: 183393). An algorithm developed to predict the effect of missense changes on protein structure and function (PolyPhen-2) suggests that this variant is likely to be disruptive. Experimental studies have shown that this missense change affects CDKN1B function (PMID: 20824794). In summary, the available evidence is currently insufficient to determine the role of this variant in disease. Therefore, it has been classified as a Variant of Uncertain Significance.

Ambry Genetics
Classification: Uncertain significance for Hereditary cancer-predisposing syndrome. Last evaluated: 2025-01-30. Review status: criteria provided, single submitter. Criteria: Ambry Variant Classification Scheme 2023. Collection method: clinical testing. Allele origin: germline.
Comment: The p.P69L variant (also known as c.206C>T), located in coding exon 1 of the CDKN1B gene, results from a C to T substitution at nucleotide position 206. The proline at codon 69 is replaced by leucine, an amino acid with similar properties. This variant has been reported in an individual diagnosed with papillary thyroid carcinoma, nonfunctioning pituitary microadenoma, as well as other comorbidities; in vitro fuctional studies showed this variant resulted in consistently reduced expression and slightly faster degradation compared to wild type (Molatore S et al. Hum. Mutat., 2010 Nov;31:E1825-35). This amino acid position is highly conserved in available vertebrate species. In addition, this alteration is predicted to be deleterious by in silico analysis. Based on the available evidence, the clinical significance of this variant remains unclear.

KCCC/NGS Laboratory, Kuwait Cancer Control Center
Classification: Uncertain significance for Multiple endocrine neoplasia type 4. Last evaluated: 2024-05-27. Review status: criteria provided, single submitter. Criteria: ACMG Guidelines, 2015. Collection method: clinical testing. Allele origin: germline. Inheritance: Autosomal dominant inheritance. Affected: no. Observed: 1 heterozygote.
Comment: the same text as in the submission from Labcorp Genetics (formerly Invitae), Labcorp above.

Revvity Omics, Revvity
Classification: Uncertain significance for Multiple endocrine neoplasia type 4. Last evaluated: 2023-04-19. Review status: criteria provided, single submitter. Criteria: ACMG Guidelines, 2015. Collection method: clinical testing. Allele origin: germline.

Juno Genomics, Hangzhou Juno Genomics, Inc
Classification: Likely pathogenic for Multiple endocrine neoplasia type 4. Review status: criteria provided, single submitter. Criteria: ACMG Guidelines, 2015. Collection method: clinical testing. Allele origin: germline.
Comment: Absent from controls (or at extremely low frequency if recessive) in Genome Aggregation Database.;Multiple lines of computational evidence support a deleterious effect on the gene or gene product.;The prevalence of the variant in affected individuals is significantly increased compared to the prevalence in controls.

OMIM
Classification: Pathogenic for MULTIPLE ENDOCRINE NEOPLASIA, TYPE IV. Last evaluated: 2010-11-01. Review status: no assertion criteria provided. Collection method: literature only. Allele origin: germline. Not counted in ClinVar's aggregate classification.

Literature cited by the submitters: PubMed 20824794 (cited by 3 submitters); PubMed 29625052 (cited by Labcorp Genetics (formerly Invitae), Labcorp); PubMed 32386678 (cited by Labcorp Genetics (formerly Invitae), Labcorp).